The following is an entry in ClinVar:

NM_013382.7(POMT2):c.599T>C (p.Met200Thr)

Gene: POMT2 (protein O-mannosyltransferase 2; minus strand). Cytogenetic location: 14q24.3.
Variant type: single nucleotide variant.
Coding change: c.599T>C on transcript NM_013382.7 (MANE Select); coding-DNA position 599, T replaced by C.
Protein change: p.Met200Thr; replaces methionine 200 with threonine.
Molecular consequence: missense variant.
Genome position (GRCh38, 1-based): chr14:77,302,892, A>G on the plus strand (T>C on the coding strand, the complement: POMT2 is on the minus strand). VCF-style: chr14-77302892-A-G. GRCh37 (hg19) VCF-style: chr14-77769235-A-G.
Other names: short protein forms M200T.
Identifiers: ClinVar variation 660340 (VCV000660340.8), dbSNP rs921045202, ClinGen allele CA263838756.

ClinVar aggregate classification (germline): Uncertain significance (1 of 4 stars; one submission).

Conditions:
Muscular dystrophy-dystroglycanopathy (congenital with brain and eye anomalies), type A2. Also called: WALKER-WARBURG SYNDROME OR MUSCLE-EYE-BRAIN DISEASE, POMT2-RELATED; MUSCULAR DYSTROPHY-DYSTROGLYCANOPATHY (CONGENITAL WITH BRAIN AND EYE ANOMALIES), TYPE A, 2. Identifiers: Orphanet 588, Orphanet 899, MedGen C3150411, MONDO:0013154, OMIM 613150.
Muscular dystrophy-dystroglycanopathy (congenital with impaired intellectual development), type B, 2. Also called: Muscular dystrophy-dystroglycanopathy (congenital with intellectual disability), type B2; MUSCULAR DYSTROPHY, CONGENITAL, POMT2-RELATED. Identifiers: MedGen C3150416, MONDO:0013160, OMIM 613156.
Autosomal recessive limb-girdle muscular dystrophy type 2N. Also called: MUSCULAR DYSTROPHY-DYSTROGLYCANOPATHY, LIMB-GIRDLE, POMT2-RELATED; Muscular dystrophy-dystroglycanopathy (limb-girdle), type C, 2. Identifiers: Orphanet 206559, MedGen C3150418, MONDO:0013162, OMIM 613158.

Allele frequency attached by ClinVar (database versions not stated): gnomAD 0.00003 and 0.00002; gnomAD exomes 0.00001; TOPMed 0.00002.
gnomAD v4.1: 11 of 1,613,886 alleles (0.00068%); highest among the groups gnomAD compares: Admixed American, 0.005%; no homozygotes.

Submission:

Labcorp Genetics (formerly Invitae), Labcorp
Classification: Uncertain significance for Muscular dystrophy-dystroglycanopathy (congenital with impaired intellectual development), type B, 2; Muscular dystrophy-dystroglycanopathy (congenital with brain and eye anomalies), type A2; Autosomal recessive limb-girdle muscular dystrophy type 2N. Last evaluated: 2022-08-16. Review status: criteria provided, single submitter. Criteria: Invitae Variant Classification Sherloc (09022015). Collection method: clinical testing. Allele origin: germline.
Comment: This sequence change replaces methionine, which is neutral and non-polar, with threonine, which is neutral and polar, at codon 200 of the POMT2 protein (p.Met200Thr). This variant is present in population databases (no rsID available, gnomAD 0.006%). This variant has not been reported in the literature in individuals affected with POMT2-related conditions. ClinVar contains an entry for this variant (Variation ID: 660340). Algorithms developed to predict the effect of missense changes on protein structure and function (SIFT, PolyPhen-2, Align-GVGD) all suggest that this variant is likely to be disruptive. In summary, the available evidence is currently insufficient to determine the role of this variant in disease. Therefore, it has been classified as a Variant of Uncertain Significance.